The following is an entry in ClinVar:

ClinVar aggregate classification (germline): Benign/Likely benign. Review status: criteria provided, multiple submitters, no conflicts (2 of 4 stars). 3 submissions from 3 submitters: Benign (1); Likely benign (2). Last evaluated 2025-11-03.

Conditions:
Pheochromocytoma/paraganglioma syndrome 5. Also called: Paragangliomas 5; SDHA-Related Hereditary Paraganglioma-Pheochromocytoma Syndrome. Identifiers: Orphanet 29072, MedGen C3279992, MONDO:0013602, OMIM 614165.
Hereditary cancer-predisposing syndrome. Also called: Hereditary Cancer Syndrome; Neoplastic Syndromes, Hereditary; Tumor predisposition; Hereditary neoplastic syndrome. Identifiers: Orphanet 140162, MedGen C0027672, MeSH D009386, MONDO:0015356.
Mitochondrial complex II deficiency, nuclear type 1. Also called: SUCCINATE CoQ REDUCTASE DEFICIENCY. Identifiers: Orphanet 3208, MedGen C5700310, MONDO:0100294, OMIM 252011.

Allele frequency attached by ClinVar (database versions not stated): TOPMed 0.00001.
gnomAD v4.1: 5 of 1,613,272 alleles (0.00031%); highest among the groups gnomAD compares: African/African-American, 0.0027%; no homozygotes.

Submissions (3):

Labcorp Genetics (formerly Invitae), Labcorp
Classification: Likely benign for Pheochromocytoma/paraganglioma syndrome 5; Mitochondrial complex II deficiency, nuclear type 1. Last evaluated: 2025-11-03. Review status: criteria provided, single submitter. Criteria: Invitae Variant Classification Sherloc (09022015). Collection method: clinical testing. Allele origin: germline.

Myriad Genetics, Inc.
Classification: Benign for Pheochromocytoma/paraganglioma syndrome 5. Last evaluated: 2025-02-28. Review status: criteria provided, single submitter. Criteria: Myriad Autosomal Dominant, Autosomal Recessive and X-Linked Classification Criteria (2023). Collection method: clinical testing. Allele origin: unknown.
Comment: This variant is considered benign. This variant is a silent/synonymous amino acid change and it is not expected to impact splicing.

Ambry Genetics
Classification: Likely benign for Hereditary cancer-predisposing syndrome. Last evaluated: 2022-12-11. Review status: criteria provided, single submitter. Criteria: Ambry Variant Classification Scheme 2023. Collection method: clinical testing. Allele origin: germline.

NM_004168.4(SDHA):c.480T>C (p.Phe160=)

Gene: SDHA (succinate dehydrogenase complex flavoprotein subunit A; plus strand). Cytogenetic location: 5p15.33.
Variant type: single nucleotide variant.
Coding change: c.480T>C on transcript NM_004168.4 (MANE Select); coding-DNA position 480, T replaced by C.
Protein change: p.Phe160=; no amino-acid change (phenylalanine 160 retained).
Molecular consequence: synonymous variant.
Genome position (GRCh38, 1-based): chr5:225,906, T>C. VCF-style: chr5-225906-T-C. GRCh37 (hg19) VCF-style: chr5-226021-T-C.
Other names: c.336T>C, p.Phe112= (NM_001294332.2); c.480T>C, p.Phe160= (NM_001330758.2); c.480T>C (NM_004168.2).
Identifiers: ClinVar variation 955512 (VCV000955512.12), dbSNP rs1060503711, ClinGen allele CA442691094.